The following is an entry in ClinVar:

NM_020937.4(FANCM):c.6041T>C (p.Val2014Ala)

Gene: FANCM (FA complementation group M; plus strand). Cytogenetic location: 14q21.2.
Variant type: single nucleotide variant.
Coding change: c.6041T>C on transcript NM_020937.4 (MANE Select); coding-DNA position 6041, T replaced by C.
Protein change: p.Val2014Ala; replaces valine 2014 with alanine.
Molecular consequence: missense variant.
Genome position (GRCh38, 1-based): chr14:45,199,902, T>C. VCF-style: chr14-45199902-T-C. GRCh37 (hg19) VCF-style: chr14-45669105-T-C.
Other names: c.6041T>C (NM_020937.3); c.5963T>C, p.Val1988Ala (NM_001308133.2); short protein forms V1988A, V2014A.
Identifiers: ClinVar variation 964025 (VCV000964025.11), dbSNP rs374376462, ClinGen allele CA7170120.

ClinVar aggregate classification (germline): Uncertain significance. Review status: criteria provided, multiple submitters, no conflicts (2 of 4 stars). 4 submissions from 4 submitters: Uncertain significance (4). Last evaluated 2025-12-16.

Conditions:
Fanconi anemia (FA). Also called: Fanconi's anemia. Identifiers: Orphanet 84, MedGen C0015625, MeSH D005199, MONDO:0019391.
Hereditary cancer-predisposing syndrome. Also called: Tumor predisposition; Hereditary neoplastic syndrome; Neoplastic Syndromes, Hereditary; Hereditary Cancer Syndrome. Identifiers: Orphanet 140162, MedGen C0027672, MeSH D009386, MONDO:0015356.

Allele frequency attached by ClinVar (database versions not stated): gnomAD 0.00006 and 0.00005; 1000 Genomes Project 0.00020; TOPMed 0.00005; gnomAD exomes 0.00003 and 0.00004; ExAC 0.00006; 1000 Genomes Project 30x 0.00031; ESP Exome Variant Server 0.00008.
gnomAD v4.1: 52 of 1,610,930 alleles (0.0032%); highest among the groups gnomAD compares: African/African-American, 0.004%; no homozygotes.

Submissions (4):

Labcorp Genetics (formerly Invitae), Labcorp
Classification: Uncertain significance for Fanconi anemia. Last evaluated: 2025-12-16. Review status: criteria provided, single submitter. Criteria: Invitae Variant Classification Sherloc (09022015). Collection method: clinical testing. Allele origin: germline.
Comment: This sequence change replaces valine, which is neutral and non-polar, with alanine, which is neutral and non-polar, at codon 2014 of the FANCM protein (p.Val2014Ala). This variant is present in population databases (rs374376462, gnomAD 0.009%). This missense change has been observed in individual(s) with head and neck squamous cell carcinoma (PMID: 28678401). ClinVar contains an entry for this variant (Variation ID: 964025). An algorithm developed to predict the effect of missense changes on protein structure and function (PolyPhen-2) suggests that this variant is likely to be disruptive. In summary, the available evidence is currently insufficient to determine the role of this variant in disease. Therefore, it has been classified as a Variant of Uncertain Significance.

Molecular Diagnostics Laboratory, Catalan Institute of Oncology
Classification: Uncertain significance for Hereditary cancer-predisposing syndrome. Last evaluated: 2024-09-17. Review status: criteria provided, single submitter. Criteria: ACMG Guidelines, 2015. Collection method: clinical testing. Allele origin: germline.
Comment: BP4_moderate c.6041T>C , located in exon 23 of the FANCM gene, is predicted to result in the substitution of valine by alanine at codon 2014, p.(Val2014Ala).This variant is found in 9/268058 alleles at a frequency of 0.003% in the gnomAD v2.1.1 database, non-cancer dataset. The SpliceAI algorithm predicts no significant impact on splicing. The REVEL meta-predictor score for this variant (0.169) suggests that it does not affect the protein function according to Pejaver 2022 thresholds (PMID: 36413997) (BP4_moderate). To our knowledge, no well-established functional studies have been reported for this variant. It has been reported in 7 out of 60466 breast cancer patients and in 1 of 53461 healthy controls (PMID:33471991) and in one head and neck cancer-affected individual (PMID:28678401). This variant has been reported in the ClinVar database (3x uncertain significance) and in LOVD (no classification assigned). Based on currently available information, the variant c.6041T>C should be considered an uncertain significance variant.

GeneDx
Classification: Uncertain significance. Last evaluated: 2024-06-24. Review status: criteria provided, single submitter. Criteria: GeneDx Variant Classification Process June 2021. Collection method: clinical testing. Allele origin: germline.
Comment: In silico analysis supports that this missense variant has a deleterious effect on protein structure/function; Observed in individuals with breast cancer and also in unaffected control(s) (PMID: 33471991); This variant is associated with the following publications: (PMID: 28678401, 33471991)

Quest Diagnostics Nichols Institute San Juan Capistrano
Classification: Uncertain significance. Last evaluated: 2023-04-20. Review status: criteria provided, single submitter. Criteria: Quest Diagnostics criteria. Collection method: clinical testing. Allele origin: unknown.
Comment: The frequency of this variant in the general population, 0.000085 (11/128958 chromosomes), is uninformative in assessment of its pathogenicity. In the published literature, the variant has been reported in an individual affected with head and neck squamous cell carcinoma (PMID: 28678401 (2017)), as well as in cases and a control individual in a large scale breast cancer association study (PMID: 33471991 (2021), see also LOVD). Analysis of this variant using bioinformatics tools for the prediction of the effect of amino acid changes on protein structure and function yielded conflicting predictions that this variant is benign or damaging. Based on the available information, we are unable to determine the clinical significance of this variant.

Literature cited by the submitters: PubMed 28678401 (cited by Labcorp Genetics (formerly Invitae), Labcorp and Quest Diagnostics Nichols Institute San Juan Capistrano); PubMed 33471991 (cited by Quest Diagnostics Nichols Institute San Juan Capistrano).